The following is an entry in ClinVar:

ClinVar aggregate classification (germline): Likely pathogenic (1 of 4 stars; one submission).

Conditions:
Dilated cardiomyopathy 1G (CMD1G). Identifiers: Orphanet 154, MedGen C1858763, MONDO:0011400, OMIM 604145.
Autosomal recessive limb-girdle muscular dystrophy type 2J (LGMDR10). Also called: Limb-girdle muscular dystrophy, type 2J; MUSCULAR DYSTROPHY, LIMB-GIRDLE, AUTOSOMAL RECESSIVE 10. Identifiers: Orphanet 140922, MedGen C1837342, MONDO:0012127, OMIM 608807.

Allele frequency attached by ClinVar (database versions not stated): TOPMed below 0.00001.

Submission:

Labcorp Genetics (formerly Invitae), Labcorp
Classification: Likely pathogenic for Dilated cardiomyopathy 1G; Autosomal recessive limb-girdle muscular dystrophy type 2J. Last evaluated: 2020-06-18. Review status: criteria provided, single submitter. Criteria: Invitae Variant Classification Sherloc (09022015). Collection method: clinical testing. Allele origin: germline.
Comment: In summary, the currently available evidence indicates that the variant is pathogenic, but additional data are needed to prove that conclusively. Therefore, this variant has been classified as Likely Pathogenic. This variant is located in the M band of TTN (PMID: 25589632). Truncating variants in this region have been previously reported in individuals affected with autosomal recessive myopathy and muscular dystrophy (PMID: 18948003, 23975875, 24395473), but have not been definitively shown to cause cardiomyopathy (PMID: 25589632). This variant has not been reported in the literature in individuals with TTN-related conditions. This variant is not present in population databases (ExAC no frequency). This sequence change results in a premature translational stop signal in the TTN gene (p.Trp35930*). While this is not anticipated to result in nonsense mediated decay, it is expected to create a truncated TTN protein.

Literature cited by the submitters: PubMed 25589632; PubMed 18948003; PubMed 23975875; PubMed 24395473.

NM_001267550.2(TTN):c.107789G>A (p.Trp35930Ter)

Genes: TTN (titin; minus strand), TTN-AS1 (TTN antisense RNA 1; plus strand). Cytogenetic location: 2q31.2.
Variant type: single nucleotide variant.
Coding change: c.107789G>A on transcript NM_001267550.2 (MANE Select); coding-DNA position 107789, G replaced by A.
Protein change: p.Trp35930Ter; replaces tryptophan 35930 with a stop codon.
Molecular consequence: nonsense.
Genome position (GRCh38, 1-based): chr2:178,527,199, C>T on the plus strand (G>A on the coding strand, the complement: TTN is on the minus strand). VCF-style: chr2-178527199-C-T. GRCh37 (hg19) VCF-style: chr2-179391926-C-T.
Other names: c.102866G>A, p.Trp34289Ter (NM_001256850.1); c.80594G>A, p.Trp26865Ter (NM_003319.4); c.100085G>A, p.Trp33362Ter (NM_133378.4); c.80969G>A, p.Trp26990Ter (NM_133432.3); c.81170G>A, p.Trp27057Ter (NM_133437.4); short protein forms W26865*, W26990*, W27057*, W33362*, W34289*, W35930*.
Identifiers: ClinVar variation 1067903 (VCV001067903.9), dbSNP rs1278698690, ClinGen allele CA349399090.